The following is an entry in ClinVar:

ClinVar aggregate classification (germline): Likely benign. Review status: criteria provided, multiple submitters, no conflicts (2 of 4 stars). 3 submissions from 3 submitters: Likely benign (3). Last evaluated 2024-11-13.

Allele frequency attached by ClinVar (database versions not stated): gnomAD 0.00001; gnomAD exomes 0.00001; TOPMed 0.00001; ExAC 0.00003; ESP Exome Variant Server 0.00008.
gnomAD v4.1: 20 of 1,607,494 alleles (0.0012%); highest among the groups gnomAD compares: Non-Finnish European, 0.0016%; 1 homozygote.

Submissions (3):

Blueprint Genetics
Classification: Likely benign. Last evaluated: 2024-11-13. Review status: criteria provided, single submitter. Criteria: ACMG Guidelines, 2015. Collection method: clinical testing. Allele origin: germline.

CeGaT Center for Human Genetics Tuebingen
Classification: Likely benign. Last evaluated: 2024-03-01. Review status: criteria provided, single submitter. Criteria: CeGaT Center For Human Genetics Tuebingen Variant Classification Criteria Version 2. Collection method: clinical testing. Allele origin: germline. Affected: yes. Observed: 1 variant allele.
Comment: CACNA1E: BP4, BP7

Labcorp Genetics (formerly Invitae), Labcorp
Classification: Likely benign. Last evaluated: 2024-01-26. Review status: criteria provided, single submitter. Criteria: Invitae Variant Classification Sherloc (09022015). Collection method: clinical testing. Allele origin: germline.

NM_001205293.3(CACNA1E):c.4623C>A (p.Thr1541=)

Gene: CACNA1E (calcium voltage-gated channel subunit alpha1 E; plus strand). Cytogenetic location: 1q25.3.
Variant type: single nucleotide variant.
Coding change: c.4623C>A on transcript NM_001205293.3 (MANE Select); coding-DNA position 4623, C replaced by A.
Protein change: p.Thr1541=; no amino-acid change (threonine 1541 retained).
Molecular consequence: synonymous variant.
Genome position (GRCh38, 1-based): chr1:181,762,591, C>A. VCF-style: chr1-181762591-C-A. GRCh37 (hg19) VCF-style: chr1-181731727-C-A.
Other names: c.4623C>A, p.Thr1541= (NM_000721.4); c.4566C>A, p.Thr1522= (NM_001205294.2).
Identifiers: ClinVar variation 1606457 (VCV001606457.30), dbSNP rs377143034, ClinGen allele CA1275905.